The following is an entry in ClinVar:

ClinVar aggregate classification (germline): Uncertain significance. Review status: criteria provided, multiple submitters, no conflicts (2 of 4 stars). 2 submissions from 2 submitters: Uncertain significance (2). Last evaluated 2021-08-31.

Conditions:
Pontocerebellar hypoplasia type 6 (PCH6). Identifiers: Orphanet 166073, MedGen C1969084, MONDO:0012683, OMIM 611523.

Submissions (2):

Women's Health and Genetics/Laboratory Corporation of America, LabCorp
Classification: Uncertain significance. Last evaluated: 2021-08-31. Review status: criteria provided, single submitter. Criteria: LabCorp Variant Classification Summary - May 2015. Collection method: clinical testing. Allele origin: germline.
Comment: Variant summary: RARS2 c.536-5G>A alters a non-conserved nucleotide located close to a canonical splice site and therefore could affect mRNA splicing, leading to a significantly altered protein sequence. Several computational tools predict a significant impact on normal splicing: Two predict the variant weakens and one predicts the variant abolishes a 5' cryptic donor site. Two predict the variant abolishes/weakens a canonical 3' acceptor site. However, these predictions have yet to be confirmed by functional studies. The variant was absent in 250006 control chromosomes. The available data on variant occurrences in the general population are insufficient to allow any conclusion about variant significance. To our knowledge, no occurrence of c.536-5G>A in individuals affected with Pontocerebellar Hypoplasia, Type 6 and no experimental evidence demonstrating its impact on protein function have been reported. One clinical diagnostic laboratory has submitted clinical-significance assessments for this variant to ClinVar after 2014 without evidence for independent evaluation. One laboratory classified the variant as uncertain significance. Based on the evidence outlined above, the variant was classified as uncertain significance.

Baylor Genetics
Classification: Uncertain significance for Pontocerebellar hypoplasia type 6. Last evaluated: 2020-07-09. Review status: criteria provided, single submitter. Criteria: ACMG Guidelines, 2015. Collection method: clinical testing. Allele origin: unknown. Affected: yes.
Comment: This variant was determined to be of uncertain significance according to ACMG Guidelines, 2015 [PMID:25741868].

NM_020320.5(RARS2):c.536-5G>A

Gene: RARS2 (arginyl-tRNA synthetase 2, mitochondrial; minus strand). Cytogenetic location: 6q15.
Variant type: single nucleotide variant.
Coding change: c.536-5G>A on transcript NM_020320.5 (MANE Select); 5 bases into the intron before coding-DNA position 536, G replaced by A.
Molecular consequence: intron variant.
Genome position (GRCh38, 1-based): chr6:87,541,999, C>T on the plus strand (G>A on the coding strand, the complement: RARS2 is on the minus strand). VCF-style: chr6-87541999-C-T. GRCh37 (hg19) VCF-style: chr6-88251717-C-T.
Other names: c.536-5G>A (NM_001350505.2); c.11-5G>A (NM_001350509.2, NM_001318785.2, NM_001350506.2 and 4 more transcripts).
Identifiers: ClinVar variation 1030701 (VCV001030701.2), dbSNP rs1781141008, ClinGen allele CA1644589393.
Genomic context (GRCh38, chr6:87,541,999, plus strand): 5'-ATTGGACTGCAGTTTTTCCTCATAGCCAAACAGCTGGAAGCCAGTTCCCAGAAGACCTAC[C>T]ATGATAATCCGTAAATGAAAAATTATAAAGTTGAACAACAGAGAATAGGCATGACAGGGA-3'